The following is an entry in ClinVar:

ClinVar aggregate classification (germline): Pathogenic (1 of 4 stars; one submission).

Conditions:
Primary ciliary dyskinesia. Also called: Ciliary dyskinesia. Identifiers: Orphanet 244, MedGen C0008780, MONDO:0016575, HP:0012265.

Submission:

Labcorp Genetics (formerly Invitae), Labcorp
Classification: Pathogenic for Primary ciliary dyskinesia. Last evaluated: 2024-06-05. Review status: criteria provided, single submitter. Criteria: Invitae Variant Classification Sherloc (09022015). Collection method: clinical testing. Allele origin: germline.
Comment: This sequence change creates a premature translational stop signal (p.Ser252Argfs*43) in the CCDC40 gene. It is expected to result in an absent or disrupted protein product. Loss-of-function variants in CCDC40 are known to be pathogenic (PMID: 21131974, 22693285, 23255504). This variant is present in population databases (rs753711384, gnomAD 0.002%). This premature translational stop signal has been observed in individual(s) with clinical features of primary ciliary dyskinesia (PMID: 36873931). For these reasons, this variant has been classified as Pathogenic.

Literature cited by the submitters: PubMed 21131974; PubMed 22693285; PubMed 23255504; PubMed 36873931.

NM_017950.4(CCDC40):c.736_755dup (p.Ser252fs)

Gene: CCDC40 (coiled-coil domain 40 molecular ruler complex subunit; plus strand). Cytogenetic location: 17q25.3.
Variant type: Duplication.
Coding change: c.736_755dup on transcript NM_017950.4 (MANE Select); coding-DNA positions 736 to 755, 20 bases duplicated (GACCAGATCCAGCAGCCCAG).
Protein change: p.Ser252fs; shifts the reading frame from serine 252.
Molecular consequence: frameshift variant.
Genome position (GRCh38, 1-based): chr17:80,048,642-80,048,661, GACCAGATCCAGCAGCCCAG duplicated; duplicating any 20 consecutive bases within chr17:80,048,638-80,048,661 gives the same sequence; the c. name uses the placement nearest the transcript's 3' end. VCF-style (leftmost placement, unchanged base first): chr17-80048637-T-TCCAGGACCAGATCCAGCAGC. GRCh37 (hg19) VCF-style: chr17-78022436-T-TCCAGGACCAGATCCAGCAGC.
Other names: c.736_755dup, p.Ser252fs (NM_001243342.2, NM_001330508.2); short protein forms S252fs.
Identifiers: ClinVar variation 3710934 (VCV003710934.2).